The following is an entry in ClinVar:

ClinVar aggregate classification (germline): Benign (1 of 4 stars; one submission).

Allele frequency attached by ClinVar (database versions not stated): TOPMed 0.00026; 1000 Genomes Project 0.00080; 1000 Genomes Project 30x 0.00094; gnomAD exomes 0.00003; gnomAD 0.00021.
gnomAD v4.1: 43 of 398,752 alleles (0.011%); highest among the groups gnomAD compares: South Asian, 0.11%; no homozygotes.

Submission:

CeGaT Center for Human Genetics Tuebingen
Classification: Benign. Last evaluated: 2022-07-01. Review status: criteria provided, single submitter. Criteria: CeGaT Center For Human Genetics Tuebingen Variant Classification Criteria Version 2. Collection method: clinical testing. Allele origin: germline. Affected: yes. Observed: 1 variant allele.
Comment: KCNQ1OT1: BS1, BS2

NM_000218.3(KCNQ1):c.1514+31697G>A

Genes: KCNQ1 (potassium voltage-gated channel subfamily Q member 1; plus strand), KCNQ1OT1 (KCNQ1 opposite strand/antisense transcript 1; minus strand). Cytogenetic location: 11p15.5.
Variant type: single nucleotide variant.
Coding change: c.1514+31697G>A on transcript NM_000218.3 (MANE Select); 31697 bases into the intron after coding-DNA position 1514, G replaced by A.
Molecular consequence: intron variant. On other transcripts: non-coding transcript variant (1).
Genome position (GRCh38, 1-based): chr11:2,693,778, G>A. VCF-style: chr11-2693778-G-A. GRCh37 (hg19) VCF-style: chr11-2715008-G-A.
Other names: c.1244+31697G>A (NM_001406837.1); c.1418+31697G>A (NM_001406836.1); c.974+31697G>A (NM_001406838.1); c.1133+31697G>A (NM_181798.2).
Identifiers: ClinVar variation 2641493 (VCV002641493.24), dbSNP rs539379020, ClinGen allele CA216194499.